The following is an entry in ClinVar:

ClinVar aggregate classification (germline): Uncertain significance. Review status: criteria provided, multiple submitters, no conflicts (2 of 4 stars). 4 submissions from 4 submitters: Uncertain significance (4). Last evaluated 2026-08-11.

Conditions:
PCARE-related disorder. Also called: PCARE-related condition.
Retinitis pigmentosa 54 (RP54). Identifiers: Orphanet 791, MedGen C3150691, MONDO:0013263, OMIM 613428.

Allele frequency attached by ClinVar (database versions not stated): gnomAD 0.00011 and 0.00012; gnomAD exomes 0.00021 and 0.00015; TOPMed 0.00012; ESP Exome Variant Server 0.00016; ExAC 0.00017.
gnomAD v4.1: 316 of 1,611,008 alleles (0.02%); highest among the groups gnomAD compares: Non-Finnish European, 0.025%; no homozygotes.

Submissions (4):

PreventionGenetics, part of Exact Sciences
Classification: Uncertain significance for PCARE-related condition. Last evaluated: 2026-08-11. Review status: criteria provided, single submitter. Criteria: ACMG Guidelines, 2015. Collection method: clinical testing. Allele origin: germline.
Comment: The PCARE c.3029G>A variant is predicted to result in the amino acid substitution p.Arg1010Gln. To our knowledge, this variant has not been reported in the literature. This variant is reported in 0.025% of alleles in individuals of European (Non-Finnish) descent in gnomAD. At this time, the clinical significance of this variant is uncertain due to the absence of conclusive functional and genetic evidence.

Blueprint Genetics
Classification: Uncertain significance. Last evaluated: 2024-11-11. Review status: criteria provided, single submitter. Criteria: ACMG Guidelines, 2015. Collection method: clinical testing. Allele origin: germline.

Labcorp Genetics (formerly Invitae), Labcorp
Classification: Uncertain significance. Last evaluated: 2022-09-29. Review status: criteria provided, single submitter. Criteria: Invitae Variant Classification Sherloc (09022015). Collection method: clinical testing. Allele origin: germline.
Comment: This sequence change replaces arginine, which is basic and polar, with glutamine, which is neutral and polar, at codon 1010 of the PCARE protein (p.Arg1010Gln). This variant is present in population databases (rs201772623, gnomAD 0.03%). This variant has not been reported in the literature in individuals affected with PCARE-related conditions. ClinVar contains an entry for this variant (Variation ID: 857282). Algorithms developed to predict the effect of missense changes on protein structure and function output the following: SIFT: "Tolerated"; PolyPhen-2: "Benign"; Align-GVGD: "Class C0". The glutamine amino acid residue is found in multiple mammalian species, which suggests that this missense change does not adversely affect protein function. In summary, the available evidence is currently insufficient to determine the role of this variant in disease. Therefore, it has been classified as a Variant of Uncertain Significance.

Fulgent Genetics
Classification: Uncertain significance for Retinitis pigmentosa 54. Last evaluated: 2022-01-03. Review status: criteria provided, single submitter. Criteria: ACMG Guidelines, 2015. Collection method: clinical testing. Allele origin: unknown.

NM_001029883.3(PCARE):c.3029G>A (p.Arg1010Gln)

Gene: PCARE (photoreceptor cilium actin regulator; minus strand). Cytogenetic location: 2p23.2.
Variant type: single nucleotide variant.
Coding change: c.3029G>A on transcript NM_001029883.3 (MANE Select); coding-DNA position 3029, G replaced by A.
Protein change: p.Arg1010Gln; replaces arginine 1010 with glutamine.
Molecular consequence: missense variant.
Genome position (GRCh38, 1-based): chr2:29,071,233, C>T on the plus strand (G>A on the coding strand, the complement: PCARE is on the minus strand). VCF-style: chr2-29071233-C-T. GRCh37 (hg19) VCF-style: chr2-29294099-C-T.
Other names: short protein forms R1010Q.
Identifiers: ClinVar variation 857282 (VCV000857282.8), dbSNP rs201772623, ClinGen allele CA1592045.